The following is an entry in ClinVar:

ClinVar aggregate classification (germline): Uncertain significance (1 of 4 stars; one submission).

Conditions:
Polycystic kidney disease, adult type (PKD1). Also called: Polycystic Kidney, Autosomal Dominant; POLYCYSTIC KIDNEY DISEASE, ADULT, TYPE I; Polycystic Kidney Disease 1, Autosomal Dominant; Polycystic kidney disease 1; Polycystic kidney disease 1, severe; POLYCYSTIC KIDNEY DISEASE 1 WITH OR WITHOUT POLYCYSTIC LIVER DISEASE. Identifiers: MedGen C3149841, MONDO:0008263, OMIM 173900.

Submission:

3billion
Classification: Uncertain significance for Polycystic kidney disease, adult type. Last evaluated: 2025-10-02. Review status: criteria provided, single submitter. Criteria: ACMG Guidelines, 2015. Collection method: clinical testing. Allele origin: germline. Affected: yes.
Comment: The variant is not observed in the gnomAD v4.1.0 dataset. Predicted Consequence/Location: Inframe deletion located in a nonrepeat region: predicted to change the length of the protein and disrupt normal protein function. Therefore, this variant is classified as VUS according to the recommendation of ACMG/AMP guideline.

NM_001009944.3(PKD1):c.10976AAG[1] (p.Glu3660del)

Genes: PKD1 (polycystin 1, transient receptor potential channel interacting; minus strand), PKD1-AS1 (PKD1 antisense RNA 1; plus strand). Cytogenetic location: 16p13.3.
Variant type: Microsatellite.
Coding change: c.10976AAG[1] on transcript NM_001009944.3 (MANE Select); one copy of the 3-base unit AAG starting at c.10976; the reference has two copies in a row; one copy, 3 bases deleted; also written c.10979_10981del.
Protein change: p.Glu3660del; deletes glutamic acid 3660.
Molecular consequence: inframe deletion.
Genome position (GRCh38, 1-based): chr16:2,093,579-2,093,581, CTT deleted on the plus strand (AAG on the coding strand, the reverse complement: PKD1 is on the minus strand); deleting any 3 consecutive bases within chr16:2,093,579-2,093,585 gives the same sequence; the position shown is the placement nearest the transcript's 3' end. VCF-style (leftmost placement, unchanged base first): chr16-2093578-GCTT-G. GRCh37 (hg19) VCF-style: chr16-2143579-GCTT-G.
Other names: c.10973AAG[1], p.Glu3659del (NM_000296.4); c.10979_10981del (NM_001009944.3); short protein forms E3659del, E3660del.
Identifiers: ClinVar variation 4854225 (VCV004854225.1).
Genomic context (GRCh38, chr16:2,093,578, plus strand): 5'-GGGGCACAGGCCGCACCCAGGCTCACCCGCAGCATGCCATGTAGCCTCTTGACCTTGCGG[GCTT>G]CTTCCTTGGCCAGGAAGAGTGCAAAGCCGTGGGGTGGCCGTACGCGGGGCACACGTGCGC-3'